The following is an entry in ClinVar:

NM_005477.3(HCN4):c.446C>T (p.Ala149Val)

Gene: HCN4 (hyperpolarization activated cyclic nucleotide gated potassium channel 4; minus strand). Cytogenetic location: 15q24.1.
Variant type: single nucleotide variant.
Coding change: c.446C>T on transcript NM_005477.3 (MANE Select); coding-DNA position 446, C replaced by T.
Protein change: p.Ala149Val; replaces alanine 149 with valine.
Molecular consequence: missense variant.
Genome position (GRCh38, 1-based): chr15:73,367,825, G>A on the plus strand (C>T on the coding strand, the complement: HCN4 is on the minus strand). VCF-style: chr15-73367825-G-A. GRCh37 (hg19) VCF-style: chr15-73660166-G-A.
Other names: short protein forms A149V.
Identifiers: ClinVar variation 3624595 (VCV003624595.2).

ClinVar aggregate classification (germline): Uncertain significance (1 of 4 stars; one submission).

Conditions:
Brugada syndrome 8 (BRGDA8). Identifiers: Orphanet 130, MedGen C2751083, MONDO:0013148, OMIM 613123.

gnomAD v4.1: 3 of 1,233,166 alleles (0.00024%); highest among the groups gnomAD compares: Non-Finnish European, 0.0002%; no homozygotes.

Submission:

Labcorp Genetics (formerly Invitae), Labcorp
Classification: Uncertain significance for Brugada syndrome 8. Last evaluated: 2024-04-15. Review status: criteria provided, single submitter. Criteria: Invitae Variant Classification Sherloc (09022015). Collection method: clinical testing. Allele origin: germline.
Comment: This sequence change replaces alanine, which is neutral and non-polar, with valine, which is neutral and non-polar, at codon 149 of the HCN4 protein (p.Ala149Val). This variant is not present in population databases (gnomAD no frequency). This variant has not been reported in the literature in individuals affected with HCN4-related conditions. Advanced modeling of protein sequence and biophysical properties (such as structural, functional, and spatial information, amino acid conservation, physicochemical variation, residue mobility, and thermodynamic stability) performed at Invitae indicates that this missense variant is not expected to disrupt HCN4 protein function with a negative predictive value of 95%. In summary, the available evidence is currently insufficient to determine the role of this variant in disease. Therefore, it has been classified as a Variant of Uncertain Significance.